The following is an entry in ClinVar:

ClinVar aggregate classification (germline): Uncertain significance (1 of 4 stars; one submission).

Submission:

Labcorp Genetics (formerly Invitae), Labcorp
Classification: Uncertain significance. Last evaluated: 2022-05-25. Review status: criteria provided, single submitter. Criteria: Invitae Variant Classification Sherloc (09022015). Collection method: clinical testing. Allele origin: germline.
Comment: In summary, the available evidence is currently insufficient to determine the role of this variant in disease. Therefore, it has been classified as a Variant of Uncertain Significance. Advanced modeling of protein sequence and biophysical properties (such as structural, functional, and spatial information, amino acid conservation, physicochemical variation, residue mobility, and thermodynamic stability) performed at Invitae indicates that this missense variant is expected to disrupt KCNH1 protein function. This variant has not been reported in the literature in individuals affected with KCNH1-related conditions. This variant is not present in population databases (gnomAD no frequency). This sequence change replaces asparagine, which is neutral and polar, with serine, which is neutral and polar, at codon 497 of the KCNH1 protein (p.Asn497Ser).

NM_172362.3(KCNH1):c.1490A>G (p.Asn497Ser)

Gene: KCNH1 (potassium voltage-gated channel subfamily H member 1; minus strand). Cytogenetic location: 1q32.2.
Variant type: single nucleotide variant.
Coding change: c.1490A>G on transcript NM_172362.3 (MANE Select); coding-DNA position 1490, A replaced by G.
Protein change: p.Asn497Ser; replaces asparagine 497 with serine.
Molecular consequence: missense variant.
Genome position (GRCh38, 1-based): chr1:210,804,139, T>C on the plus strand (A>G on the coding strand, the complement: KCNH1 is on the minus strand). VCF-style: chr1-210804139-T-C. GRCh37 (hg19) VCF-style: chr1-210977481-T-C.
Other names: c.1409A>G, p.Asn470Ser (NM_002238.4); short protein forms N497S, N470S.
Identifiers: ClinVar variation 1998494 (VCV001998494.4), dbSNP rs761708962, ClinGen allele CA344874553.